The following is an entry in ClinVar:

NM_006904.7(PRKDC):c.4429C>T (p.His1477Tyr)

Gene: PRKDC (protein kinase, DNA-activated, catalytic subunit; minus strand). Cytogenetic location: 8q11.21.
Variant type: single nucleotide variant.
Coding change: c.4429C>T on transcript NM_006904.7 (MANE Select); coding-DNA position 4429, C replaced by T.
Protein change: p.His1477Tyr; replaces histidine 1477 with tyrosine.
Molecular consequence: missense variant.
Genome position (GRCh38, 1-based): chr8:47,887,690, G>A on the plus strand (C>T on the coding strand, the complement: PRKDC is on the minus strand). VCF-style: chr8-47887690-G-A. GRCh37 (hg19) VCF-style: chr8-48800251-G-A.
Other names: c.4429C>T, p.His1477Tyr (NM_001081640.2); short protein forms H1477Y.
Identifiers: ClinVar variation 2775718 (VCV002775718.3), dbSNP rs1184126853, ClinGen allele CA371144194.

ClinVar aggregate classification (germline): Uncertain significance (1 of 4 stars; one submission).

Conditions:
Severe combined immunodeficiency due to DNA-PKcs deficiency. Also called: IMMUNODEFICIENCY 26 WITH NEUROLOGIC ABNORMALITIES; Immunodeficiency 26 with or without neurologic abnormalities. Identifiers: Orphanet 317425, MedGen C4014833, MONDO:0014423, OMIM 615966.

Allele frequency attached by ClinVar (database versions not stated): TOPMed below 0.00001; gnomAD 0.00001.
gnomAD v4.1: 2 of 1,608,246 alleles (0.00012%); highest among the groups gnomAD compares: African/African-American, 0.0027%; no homozygotes.

Submission:

Labcorp Genetics (formerly Invitae), Labcorp
Classification: Uncertain significance for Severe combined immunodeficiency due to DNA-PKcs deficiency. Last evaluated: 2023-10-08. Review status: criteria provided, single submitter. Criteria: Invitae Variant Classification Sherloc (09022015). Collection method: clinical testing. Allele origin: germline.
Comment: This sequence change replaces histidine, which is basic and polar, with tyrosine, which is neutral and polar, at codon 1477 of the PRKDC protein (p.His1477Tyr). This variant is present in population databases (no rsID available, gnomAD 0.01%). This variant has not been reported in the literature in individuals affected with PRKDC-related conditions. Advanced modeling of protein sequence and biophysical properties (such as structural, functional, and spatial information, amino acid conservation, physicochemical variation, residue mobility, and thermodynamic stability) performed at Invitae indicates that this missense variant is not expected to disrupt PRKDC protein function. In summary, the available evidence is currently insufficient to determine the role of this variant in disease. Therefore, it has been classified as a Variant of Uncertain Significance.